The following is an entry in ClinVar:

NM_016222.4(DDX41):c.623A>G (p.Gln208Arg)

Gene: DDX41 (DEAD-box helicase 41; minus strand). Cytogenetic location: 5q35.3.
Variant type: single nucleotide variant.
Coding change: c.623A>G on transcript NM_016222.4 (MANE Select); coding-DNA position 623, A replaced by G.
Protein change: p.Gln208Arg; replaces glutamine 208 with arginine.
Molecular consequence: missense variant.
Genome position (GRCh38, 1-based): chr5:177,515,207, T>C on the plus strand (A>G on the coding strand, the complement: DDX41 is on the minus strand). VCF-style: chr5-177515207-T-C. GRCh37 (hg19) VCF-style: chr5-176942208-T-C.
Other names: c.245A>G, p.Gln82Arg (NM_001321732.2, NM_001321830.2); short protein forms Q82R, Q208R.
Identifiers: ClinVar variation 5035182 (VCV005035182.1).

ClinVar aggregate classification (germline): Uncertain significance (1 of 4 stars; one submission).

Conditions:
Inborn genetic diseases. Identifiers: MedGen C0950123, MeSH D030342.

Submission:

Ambry Genetics
Classification: Uncertain significance for Inborn genetic diseases. Last evaluated: 2026-09-14. Review status: criteria provided, single submitter. Criteria: Ambry Variant Classification Scheme 2023. Collection method: clinical testing. Allele origin: germline.
Comment: The p.Q208R variant (also known as c.623A>G), located in coding exon 7 of the DDX41 gene, results from an A to G substitution at nucleotide position 623. The glutamine at codon 208 is replaced by arginine, an amino acid with highly similar properties. This amino acid position is highly conserved in available vertebrate species. In addition, this alteration is predicted to be deleterious by in silico analysis. Based on the available evidence, the clinical significance of this variant remains unclear.